The following is an entry in ClinVar:

NM_007078.3(LDB3):c.690-4842G>A

Genes: LDB3 (LIM domain binding 3; plus strand), LOC110121486 (VISTA enhancer hs2143; plus strand). Cytogenetic location: 10q23.2.
Variant type: single nucleotide variant.
Coding change: c.690-4842G>A on transcript NM_007078.3 (MANE Select); 4842 bases into the intron before coding-DNA position 690, G replaced by A.
Molecular consequence: intron variant.
Genome position (GRCh38, 1-based): chr10:86,687,054, G>A. VCF-style: chr10-86687054-G-A. GRCh37 (hg19) VCF-style: chr10-88446811-G-A.
Other names: c.345-15G>A (NM_001080116.1, NM_001368068.1, NM_001368066.1 and 2 more transcripts); c.690-4842G>A (NM_001368064.1, NM_001368063.1, NM_001368065.1 and 1 more transcripts); c.690-15G>A (NM_001171610.2, NM_001171611.2).
Identifiers: ClinVar variation 43875 (VCV000043875.24), dbSNP rs113445294, ClinGen allele CA133073.
Genomic context (GRCh38, chr10:86,687,054, plus strand): 5'-GCCACCCATGTAACCGCCACCTGTTGCCCTTTTCTCCTCCCTCTCCCTGCCCGTACTCCC[G>A]CACCCCTCCCCCAGCGCCGACTACCAGGAACGCTTCAACCCCAGTGCCCTGAAGGACTCG-3'

ClinVar aggregate classification (germline): Benign/Likely benign. Review status: criteria provided, multiple submitters, no conflicts (2 of 4 stars). 9 submissions from 9 submitters: Benign (5); Likely benign (1). 3 of the submissions do not count toward it. Last evaluated 2026-02-04.

Conditions:
Dilated cardiomyopathy 1C (CMD1C). Also called: CARDIOMYOPATHY, DILATED, 1C, WITH OR WITHOUT LEFT VENTRICULAR NONCOMPACTION; Cardiomyopathy, dilated, 1C, with or without LVNC. Identifiers: Orphanet 154, Orphanet 54260, MedGen C1832244, MONDO:0011094, OMIM 601493.
Myofibrillar myopathy 4. Also called: Zaspopathy (type). Identifiers: Orphanet 98912, MedGen C4721886, MONDO:0012277, OMIM 609452.

Allele frequency attached by ClinVar (database versions not stated): 1000 Genomes Project 0.06130; 1000 Genomes Project 30x 0.06293; TOPMed 0.07029; ESP Exome Variant Server 0.07176; gnomAD 0.06823.

Submissions (9):

Labcorp Genetics (formerly Invitae), Labcorp
Classification: Benign for Myofibrillar myopathy 4. Last evaluated: 2026-02-04. Review status: criteria provided, single submitter. Criteria: Invitae Variant Classification Sherloc (09022015). Collection method: clinical testing. Allele origin: germline.

Illumina Laboratory Services, Illumina
Classification: Benign for Dilated cardiomyopathy 1C. Last evaluated: 2018-01-13. Review status: criteria provided, single submitter. Criteria: ICSL Variant Classification Criteria 13 December 2019. Collection method: clinical testing. Allele origin: germline.
Comment: This variant was observed in the ICSL laboratory as part of a predisposition screen in an ostensibly healthy population. It had not been previously curated by ICSL or reported in the Human Gene Mutation Database (HGMD: prior to June 1st, 2018), and was therefore a candidate for classification through an automated scoring system. Utilizing variant allele frequency, disease prevalence and penetrance estimates, and inheritance mode, an automated score was calculated to assess if this variant is too frequent to cause the disease. Based on the score and internal cut-off values, a variant classified as benign is not then subjected to further curation. The score for this variant resulted in a classification of benign for this disease.

GeneDx
Classification: Benign. Last evaluated: 2015-03-03. Review status: criteria provided, single submitter. Criteria: GeneDx Variant Classification Process June 2021. Collection method: clinical testing. Allele origin: germline. Affected: yes.

Laboratory for Molecular Medicine, Mass General Brigham Personalized Medicine
Classification: Benign. Last evaluated: 2011-09-19. Review status: criteria provided, single submitter. Criteria: LMM Criteria. Collection method: clinical testing. Allele origin: germline. Observed: 194 variant alleles.

Breakthrough Genomics
Classification: Likely benign. Review status: criteria provided, single submitter. Criteria: ACMG Guidelines, 2015. Collection method: not provided. Allele origin: germline. Inheritance: Autosomal dominant inheritance. Affected: yes.

PreventionGenetics, part of Exact Sciences
Classification: Benign. Review status: criteria provided, single submitter. Criteria: ACMG Guidelines, 2015. Collection method: clinical testing. Allele origin: germline.

Clinical Genetics, Academic Medical Center
Classification: Benign. Review status: no assertion criteria provided. Collection method: clinical testing. Allele origin: germline. Affected: yes. Study: VKGL Data-share Consensus. Not counted in ClinVar's aggregate classification.

Joint Genome Diagnostic Labs from Nijmegen and Maastricht, Radboudumc and MUMC+
Classification: Likely benign. Review status: no assertion criteria provided. Collection method: clinical testing. Allele origin: germline. Affected: yes. Study: VKGL Data-share Consensus. Not counted in ClinVar's aggregate classification.

Laboratory of Diagnostic Genome Analysis, Leiden University Medical Center (LUMC)
Classification: Likely benign. Review status: no assertion criteria provided. Collection method: clinical testing. Allele origin: germline. Affected: yes. Study: VKGL Data-share Consensus. Not counted in ClinVar's aggregate classification.